The following is an entry in ClinVar:

ClinVar aggregate classification (germline): Uncertain significance (1 of 4 stars; one submission).

Conditions:
Cystic fibrosis (CF). Also called: MUCOVISCIDOSIS. Identifiers: Orphanet 586, MedGen C0010674, MONDO:0009061, OMIM 219700. Disease mechanism: loss of function.

Submission:

Ambry Genetics
Classification: Uncertain significance for Cystic fibrosis. Last evaluated: 2025-01-05. Review status: criteria provided, single submitter. Criteria: Ambry Variant Classification Scheme 2023. Collection method: clinical testing. Allele origin: germline.
Comment: The p.H1402Y variant (also known as c.4204C>T), located in coding exon 26 of the CFTR gene, results from a C to T substitution at nucleotide position 4204. The histidine at codon 1402 is replaced by tyrosine, an amino acid with similar properties. This amino acid position is conserved. In addition, this alteration is predicted to be deleterious by in silico analysis. Based on the available evidence, the clinical significance of this variant remains unclear.

NM_000492.4(CFTR):c.4204C>T (p.His1402Tyr)

Gene: CFTR (CF transmembrane conductance regulator; plus strand). Cytogenetic location: 7q31.2.
Variant type: single nucleotide variant.
Coding change: c.4204C>T on transcript NM_000492.4 (MANE Select); coding-DNA position 4204, C replaced by T.
Protein change: p.His1402Tyr; replaces histidine 1402 with tyrosine.
Molecular consequence: missense variant.
Genome position (GRCh38, 1-based): chr7:117,665,526, C>T. VCF-style: chr7-117665526-C-T. GRCh37 (hg19) VCF-style: chr7-117305580-C-T.
Other names: short protein forms H1402Y.
Identifiers: ClinVar variation 3832570 (VCV003832570.1).